The following is an entry in ClinVar:

NM_000203.5(IDUA):c.1942C>T (p.Pro648Ser)

Gene: IDUA (alpha-L-iduronidase; plus strand). Cytogenetic location: 4p16.3.
Variant type: single nucleotide variant.
Coding change: c.1942C>T on transcript NM_000203.5 (MANE Select); coding-DNA position 1942, C replaced by T.
Protein change: p.Pro648Ser; replaces proline 648 with serine.
Molecular consequence: missense variant. On other transcripts: non-coding transcript variant (1).
Genome position (GRCh38, 1-based): chr4:1,004,373, C>T. VCF-style: chr4-1004373-C-T. GRCh37 (hg19) VCF-style: chr4-998161-C-T.
Other names: c.1546C>T, p.Pro516Ser (NM_001363576.1); short protein forms P516S, P648S.
Identifiers: ClinVar variation 2149639 (VCV002149639.1), dbSNP rs754403276, ClinGen allele CA2802482.
Genomic context (GRCh38, chr4:1,004,373, plus strand): 5'-CGACCAGGCCCCTTCTCGGACCCTGTGCCGTACCTGGAGGTCCCTGTGCCAAGAGGGCCC[C>T]CATCCCCGGGCAATCCATGAGCCTGTGCTGAGCCCCAGTGGGTTGCACCTCCACCGGCAG-3'
Protein context (NP_000194.2, residues 638-653): YLEVPVPRGP[Pro648Ser]SPGNP

ClinVar aggregate classification (germline): Uncertain significance (1 of 4 stars; one submission).

Conditions:
Mucopolysaccharidosis type 1. Also called: IDUA deficiency; MPS I. Identifiers: Orphanet 579, MedGen C0023786, MONDO:0001586.

Allele frequency attached by ClinVar (database versions not stated): gnomAD exomes below 0.00001; ExAC 0.00001.
gnomAD v4.1: 5 of 1,610,988 alleles (0.00031%); highest among the groups gnomAD compares: Non-Finnish European, 0.00042%; no homozygotes.

Submission:

Labcorp Genetics (formerly Invitae), Labcorp
Classification: Uncertain significance for Mucopolysaccharidosis type 1. Last evaluated: 2022-08-19. Review status: criteria provided, single submitter. Criteria: Invitae Variant Classification Sherloc (09022015). Collection method: clinical testing. Allele origin: germline.
Comment: This sequence change replaces proline, which is neutral and non-polar, with serine, which is neutral and polar, at codon 648 of the IDUA protein (p.Pro648Ser). This variant is present in population databases (rs754403276, gnomAD 0.0009%). This variant has not been reported in the literature in individuals affected with IDUA-related conditions. Advanced modeling of protein sequence and biophysical properties (such as structural, functional, and spatial information, amino acid conservation, physicochemical variation, residue mobility, and thermodynamic stability) performed at Invitae indicates that this missense variant is not expected to disrupt IDUA protein function. In summary, the available evidence is currently insufficient to determine the role of this variant in disease. Therefore, it has been classified as a Variant of Uncertain Significance.